The following is an entry in ClinVar:

ClinVar aggregate classification (germline): Uncertain significance (1 of 4 stars; one submission).

Conditions:
Developmental and epileptic encephalopathy 94 (DEE94). Also called: CHD2-Related Neurodevelopmental Disorders; Epileptic encephalopathy, childhood-onset. Identifiers: Orphanet 1942, Orphanet 2382, MedGen C3809278, MONDO:0014150, OMIM 615369.

Allele frequency attached by ClinVar (database versions not stated): gnomAD exomes below 0.00001 and 0.00001; ExAC 0.00003; gnomAD 0.00004 and 0.00005; TOPMed 0.00005; 1000 Genomes Project 30x 0.00016; 1000 Genomes Project 0.00020.
gnomAD v4.1: 10 of 1,579,814 alleles (0.00063%); highest among the groups gnomAD compares: African/African-American, 0.012%; no homozygotes.

Submission:

Labcorp Genetics (formerly Invitae), Labcorp
Classification: Uncertain significance for Developmental and epileptic encephalopathy 94. Last evaluated: 2022-07-12. Review status: criteria provided, single submitter. Criteria: Invitae Variant Classification Sherloc (09022015). Collection method: clinical testing. Allele origin: germline.
Comment: In summary, the available evidence is currently insufficient to determine the role of this variant in disease. Therefore, it has been classified as a Variant of Uncertain Significance. Advanced modeling of protein sequence and biophysical properties (such as structural, functional, and spatial information, amino acid conservation, physicochemical variation, residue mobility, and thermodynamic stability) performed at Invitae indicates that this missense variant is not expected to disrupt CHD2 protein function. ClinVar contains an entry for this variant (Variation ID: 580001). This variant has not been reported in the literature in individuals affected with CHD2-related conditions. The frequency data for this variant in the population databases is considered unreliable, as metrics indicate poor data quality at this position in the gnomAD database. This sequence change replaces serine, which is neutral and polar, with cysteine, which is neutral and slightly polar, at codon 391 of the CHD2 protein (p.Ser391Cys).

NM_001271.4(CHD2):c.1172C>G (p.Ser391Cys)

Gene: CHD2 (chromodomain helicase DNA binding protein 2; plus strand). Cytogenetic location: 15q26.1.
Variant type: single nucleotide variant.
Coding change: c.1172C>G on transcript NM_001271.4 (MANE Select); coding-DNA position 1172, C replaced by G.
Protein change: p.Ser391Cys; replaces serine 391 with cysteine.
Molecular consequence: missense variant.
Genome position (GRCh38, 1-based): chr15:92,945,839, C>G. VCF-style: chr15-92945839-C-G. GRCh37 (hg19) VCF-style: chr15-93489069-C-G.
Other names: c.1172C>G, p.Ser391Cys (NM_001042572.3); short protein forms S391C.
Identifiers: ClinVar variation 580001 (VCV000580001.9), dbSNP rs542243995, ClinGen allele CA7747732.